The following is an entry in ClinVar:

ClinVar aggregate classification (germline): Benign/Likely benign. Review status: criteria provided, multiple submitters, no conflicts (2 of 4 stars). 5 submissions from 5 submitters: Benign (2); Likely benign (2). 1 of the submissions does not count toward it. Last evaluated 2026-04-20.

Conditions:
NALCN-related disorder. Also called: NALCN-related disorders; NALCN-related condition.

Allele frequency attached by ClinVar (database versions not stated): TOPMed 0.00004; gnomAD 0.00006 and 0.00024; ESP Exome Variant Server 0.00015; gnomAD exomes 0.00029 and 0.00057; 1000 Genomes Project 0.00060; ExAC 0.00060; 1000 Genomes Project 30x 0.00062.
gnomAD v4.1: 466 of 1,613,756 alleles (0.029%); highest among the groups gnomAD compares: South Asian, 0.4%; 5 homozygotes.

Submissions (5):

Women's Health and Genetics/Laboratory Corporation of America, LabCorp
Classification: Benign. Last evaluated: 2026-04-20. Review status: criteria provided, single submitter. Criteria: LabCorp Variant Classification Summary - May 2015. Collection method: clinical testing. Allele origin: germline.
Comment: Variant summary: NALCN c.942+8G>A alters a non-conserved nucleotide located at a position not widely known to affect splicing. Consensus agreement among computation tools predict no significant impact on normal splicing. However, these predictions have yet to be confirmed by functional studies. The variant allele was found at a frequency of 0.00057 in 250668 control chromosomes, predominantly at a frequency of 0.0041 within the South Asian subpopulation in the gnomAD database, including 2 homozygotes. The observed variant frequency within South Asian control individuals in the gnomAD database exceeds the estimated maximal expected allele frequency for disease-causing variants in NALCN. To our knowledge, no occurrence of c.942+8G>A in individuals affected with NALCN-related conditions and no experimental evidence demonstrating its impact on protein function have been reported. ClinVar contains an entry for this variant (Variation ID: 1694708). Based on the evidence outlined above, the variant was classified as benign.

Blueprint Genetics
Classification: Likely benign. Last evaluated: 2024-11-11. Review status: criteria provided, single submitter. Criteria: ACMG Guidelines, 2015. Collection method: clinical testing. Allele origin: germline.

Labcorp Genetics (formerly Invitae), Labcorp
Classification: Benign. Last evaluated: 2023-07-07. Review status: criteria provided, single submitter. Criteria: Invitae Variant Classification Sherloc (09022015). Collection method: clinical testing. Allele origin: germline.

CeGaT Center for Human Genetics Tuebingen
Classification: Likely benign. Last evaluated: 2022-06-01. Review status: criteria provided, single submitter. Criteria: CeGaT Center For Human Genetics Tuebingen Variant Classification Criteria Version 2. Collection method: clinical testing. Allele origin: germline. Affected: yes. Observed: 1 variant allele.
Comment: NALCN: BP4

PreventionGenetics, part of Exact Sciences
Classification: Likely benign for NALCN-related condition. Last evaluated: 2019-03-01. Review status: no assertion criteria provided. Collection method: clinical testing. Allele origin: germline. Not counted in ClinVar's aggregate classification.
Comment: This variant is classified as likely benign based on ACMG/AMP sequence variant interpretation guidelines (Richards et al. 2015 PMID: 25741868, with internal and published modifications).

NM_052867.4(NALCN):c.942+8G>A

Gene: NALCN (sodium leak channel, non-selective; minus strand). Cytogenetic location: 13q33.1.
Variant type: single nucleotide variant.
Coding change: c.942+8G>A on transcript NM_052867.4 (MANE Select); 8 bases into the intron after coding-DNA position 942, G replaced by A.
Molecular consequence: intron variant.
Genome position (GRCh38, 1-based): chr13:101,292,216, C>T on the plus strand (G>A on the coding strand, the complement: NALCN is on the minus strand). VCF-style: chr13-101292216-C-T. GRCh37 (hg19) VCF-style: chr13-101944567-C-T.
Other names: c.942+8G>A (NM_001350751.2, NM_001350749.2, NM_001350750.2 and 2 more transcripts).
Identifiers: ClinVar variation 1694708 (VCV001694708.37), dbSNP rs374004710, ClinGen allele CA7036355.